The following is an entry in ClinVar:

ClinVar aggregate classification (germline): Uncertain significance (1 of 4 stars; one submission).

Conditions:
Duchenne muscular dystrophy (DMD). Also called: MUSCULAR DYSTROPHY, PSEUDOHYPERTROPHIC PROGRESSIVE, DUCHENNE TYPE; Duchenne Muscular Dystrophy (DMD). Identifiers: Orphanet 98896, MedGen C0013264, MONDO:0010679, OMIM 310200.

Submission:

Labcorp Genetics (formerly Invitae), Labcorp
Classification: Uncertain significance for Duchenne muscular dystrophy. Last evaluated: 2025-02-06. Review status: criteria provided, single submitter. Criteria: Invitae Variant Classification Sherloc (09022015). Collection method: clinical testing. Allele origin: germline.
Comment: This sequence change replaces lysine, which is basic and polar, with asparagine, which is neutral and polar, at codon 18 of the DMD protein (p.Lys18Asn). This variant is not present in population databases (gnomAD no frequency). This missense change has been observed in individual(s) with dilated cardiomyopathy (PMID: 12359139). ClinVar contains an entry for this variant (Variation ID: 1044218). Invitae Evidence Modeling of protein sequence and biophysical properties (such as structural, functional, and spatial information, amino acid conservation, physicochemical variation, residue mobility, and thermodynamic stability) indicates that this missense variant is not expected to disrupt DMD protein function with a negative predictive value of 95%. Experimental studies have shown that this missense change affects DMD function (PMID: 20457930, 25340340). In summary, the available evidence is currently insufficient to determine the role of this variant in disease. Therefore, it has been classified as a Variant of Uncertain Significance.

Literature cited by the submitters: PubMed 12359139; PubMed 20457930; PubMed 25340340.

NM_004006.3(DMD):c.54G>T (p.Lys18Asn)

Gene: DMD (dystrophin; minus strand). Cytogenetic location: Xp21.1.
Variant type: single nucleotide variant.
Coding change: c.54G>T on transcript NM_004006.3 (MANE Select); coding-DNA position 54, G replaced by T.
Protein change: p.Lys18Asn; replaces lysine 18 with asparagine.
Molecular consequence: missense variant. On other transcripts: 5 prime UTR variant (1).
Genome position (GRCh38, 1-based): chrX:33,020,178, C>A on the plus strand (G>T on the coding strand, the complement: DMD is on the minus strand). VCF-style: chrX-33020178-C-A. GRCh37 (hg19) VCF-style: chrX-33038295-C-A.
Other names: c.30G>T, p.Lys10Asn (NM_000109.4); c.42G>T, p.Lys14Asn (NM_004009.3); c.-316G>T (NM_004010.3); short protein forms K14N, K10N, K18N.
Identifiers: ClinVar variation 1044218 (VCV001044218.9), dbSNP rs2093886366, ClinGen allele CA412675298.